The following is an entry in ClinVar:

ClinVar aggregate classification (germline): Likely pathogenic (1 of 4 stars; one submission).

Conditions:
Dilated cardiomyopathy 1G (CMD1G). Identifiers: Orphanet 154, MedGen C1858763, MONDO:0011400, OMIM 604145.
Autosomal recessive limb-girdle muscular dystrophy type 2J (LGMDR10). Also called: MUSCULAR DYSTROPHY, LIMB-GIRDLE, AUTOSOMAL RECESSIVE 10; Limb-girdle muscular dystrophy, type 2J. Identifiers: Orphanet 140922, MedGen C1837342, MONDO:0012127, OMIM 608807.

Submission:

Labcorp Genetics (formerly Invitae), Labcorp
Classification: Likely pathogenic for Dilated cardiomyopathy 1G; Autosomal recessive limb-girdle muscular dystrophy type 2J. Last evaluated: 2022-06-01. Review status: criteria provided, single submitter. Criteria: Invitae Variant Classification Sherloc (09022015). Collection method: clinical testing. Allele origin: germline.
Comment: In summary, the currently available evidence indicates that the variant is pathogenic, but additional data are needed to prove that conclusively. Therefore, this variant has been classified as Likely Pathogenic. This variant is located in the A band of TTN (PMID: 25589632). Truncating variants in this region are significantly overrepresented in patients affected with dilated cardiomyopathy (PMID: 25589632). Truncating variants in this region have also been reported in individuals affected with autosomal recessive centronuclear myopathy (PMID: 23975875). This variant has not been reported in the literature in individuals affected with TTN-related conditions. This variant is not present in population databases (gnomAD no frequency). This sequence change creates a premature translational stop signal (p.Arg30765Asnfs*3) in the TTN gene. While this is not anticipated to result in nonsense mediated decay, it is expected to create a truncated TTN protein.

Literature cited by the submitters: PubMed 25589632; PubMed 23975875.

NM_001267550.2(TTN):c.92294del (p.Arg30765fs)

Genes: TTN (titin; minus strand), TTN-AS1 (TTN antisense RNA 1; plus strand). Cytogenetic location: 2q31.2.
Variant type: Deletion.
Coding change: c.92294del on transcript NM_001267550.2 (MANE Select); coding-DNA position 92294, one base deleted (G; older notation c.92294delG).
Protein change: p.Arg30765fs; shifts the reading frame from arginine 30765.
Molecular consequence: frameshift variant.
Genome position (GRCh38, 1-based): chr2:178,549,332, C deleted on the plus strand (G on the coding strand, the reverse complement: TTN is on the minus strand). VCF-style (leftmost placement, unchanged base first): chr2-178549331-TC-T. GRCh37 (hg19) VCF-style: chr2-179414058-TC-T.
Other names: c.87371del, p.Arg29124fs (NM_001256850.1); c.65099del, p.Arg21700fs (NM_003319.4); c.84590del, p.Arg28197fs (NM_133378.4); c.65474del, p.Arg21825fs (NM_133432.3); c.65675del, p.Arg21892fs (NM_133437.4); short protein forms R21825fs, R29124fs, R30765fs, R21892fs, R28197fs, R21700fs.
Identifiers: ClinVar variation 2001698 (VCV002001698.4), dbSNP rs2469158173, ClinGen allele CA2580064676.